The following is an entry in ClinVar:

ClinVar aggregate classification (germline): Uncertain significance (1 of 4 stars; one submission).

Submission:

Labcorp Genetics (formerly Invitae), Labcorp
Classification: Uncertain significance. Last evaluated: 2023-08-14. Review status: criteria provided, single submitter. Criteria: Invitae Variant Classification Sherloc (09022015). Collection method: clinical testing. Allele origin: germline.
Comment: This variant, c.396_422del, results in the deletion of 9 amino acid(s) of the COL9A3 protein (p.Gly134_Gly142del), but otherwise preserves the integrity of the reading frame. This variant is present in population databases (no rsID available, gnomAD 0.003%). This variant has not been reported in the literature in individuals affected with COL9A3-related conditions. Experimental studies and prediction algorithms are not available or were not evaluated, and the functional significance of this variant is currently unknown. In summary, the available evidence is currently insufficient to determine the role of this variant in disease. Therefore, it has been classified as a Variant of Uncertain Significance.

NM_001853.4(COL9A3):c.396_422del (p.Gly134_Gly142del)

Gene: COL9A3 (collagen type IX alpha 3 chain; plus strand). Cytogenetic location: 20q13.33.
Variant type: Deletion.
Coding change: c.396_422del on transcript NM_001853.4 (MANE Select); coding-DNA positions 396 to 422, 27 bases deleted (AGGTGGGATCGGCCTCCGCGGCCCCCC).
Protein change: p.Gly134_Gly142del.
Molecular consequence: inframe deletion.
Genome position (GRCh38, 1-based): chr20:62,821,783-62,821,809, AGGTGGGATCGGCCTCCGCGGCCCCCC deleted; deleting any 27 consecutive bases within chr20:62,821,773-62,821,809 gives the same sequence; the c. name uses the placement nearest the transcript's 3' end. VCF-style (leftmost placement, unchanged base first): chr20-62821772-AGCGGCCCCCCAGGTGGGATCGGCCTCC-A. GRCh37 (hg19) VCF-style: chr20-61453124-AGCGGCCCCCCAGGTGGGATCGGCCTCC-A.
Identifiers: ClinVar variation 2989127 (VCV002989127.3), dbSNP rs1441440418, ClinGen allele CA636333016.